The following is an entry in ClinVar:

ClinVar aggregate classification (germline): Uncertain significance (1 of 4 stars; one submission).

Conditions:
Tuberous sclerosis 2 (TSC2). Identifiers: Orphanet 805, MedGen C1860707, MONDO:0013199, OMIM 613254.

Allele frequency attached by ClinVar (database versions not stated): gnomAD exomes below 0.00001; TOPMed below 0.00001; gnomAD 0.00001.
gnomAD v4.1: 2 of 1,609,468 alleles (0.00012%); highest among the groups gnomAD compares: East Asian, 0.0022%; no homozygotes.

Submission:

Labcorp Genetics (formerly Invitae), Labcorp
Classification: Uncertain significance for Tuberous sclerosis 2. Last evaluated: 2024-10-24. Review status: criteria provided, single submitter. Criteria: Invitae Variant Classification Sherloc (09022015). Collection method: clinical testing. Allele origin: germline.
Comment: This sequence change replaces aspartic acid, which is acidic and polar, with asparagine, which is neutral and polar, at codon 1436 of the TSC2 protein (p.Asp1436Asn). This variant is not present in population databases (gnomAD no frequency). This variant has not been reported in the literature in individuals affected with TSC2-related conditions. Invitae Evidence Modeling of protein sequence and biophysical properties (such as structural, functional, and spatial information, amino acid conservation, physicochemical variation, residue mobility, and thermodynamic stability) indicates that this missense variant is not expected to disrupt TSC2 protein function with a negative predictive value of 95%. In summary, the available evidence is currently insufficient to determine the role of this variant in disease. Therefore, it has been classified as a Variant of Uncertain Significance.

NM_000548.5(TSC2):c.4306G>A (p.Asp1436Asn)

Gene: TSC2 (TSC complex subunit 2; plus strand). Cytogenetic location: 16p13.3.
Variant type: single nucleotide variant.
Coding change: c.4306G>A on transcript NM_000548.5 (MANE Select); coding-DNA position 4306, G replaced by A.
Protein change: p.Asp1436Asn; replaces aspartic acid 1436 with asparagine.
Molecular consequence: missense variant. On other transcripts: non-coding transcript variant (5).
Genome position (GRCh38, 1-based): chr16:2,084,528, G>A. VCF-style: chr16-2084528-G-A. GRCh37 (hg19) VCF-style: chr16-2134529-G-A.
Other names: c.4087G>A, p.Asp1363Asn (NM_001406676.1); c.4048G>A, p.Asp1350Asn (NM_001406677.1); c.3994G>A, p.Asp1332Asn (NM_001406678.1); c.3958G>A, p.Asp1320Asn (NM_001406679.1); c.3706G>A, p.Asp1236Asn (NM_001406680.1); c.3646G>A, p.Asp1216Asn (NM_001406681.1); c.3637G>A, p.Asp1213Asn (NM_001406682.1, NM_001406683.1); c.3634G>A, p.Asp1212Asn (NM_001406684.1); and 26 more; short protein forms D1320N, D1333N, D1364N, D1365N, D1370N, D1380N, D1435N, D921N.
Identifiers: ClinVar variation 2771163 (VCV002771163.3), dbSNP rs2090518816, ClinGen allele CA394301202.